The following is an entry in ClinVar:

NM_000179.3(MSH6):c.4002-23_4002-4del

Gene: MSH6 (mutS homolog 6; plus strand). Cytogenetic location: 2p16.3.
Variant type: Deletion.
Coding change: c.4002-23_4002-4del on transcript NM_000179.3 (MANE Select); 23 bases into the intron before coding-DNA position 4002 through 4 bases into the intron before coding-DNA position 4002, 20 bases deleted (TTTTTTTTTTTTTTAATTTT).
Molecular consequence: intron variant.
Genome position (GRCh38, 1-based): chr2:47,806,756-47,806,775, TTTTTTTTTTTTTTAATTTT deleted; deleting any 20 consecutive bases within chr2:47,806,752-47,806,775 gives the same sequence; the c. name uses the placement nearest the transcript's 3' end. VCF-style (leftmost placement, unchanged base first): chr2-47806751-CTTTTTTTTTTTTTTTTTTAA-C. GRCh37 (hg19) VCF-style: chr2-48033890-CTTTTTTTTTTTTTTTTTTAA-C.
Other names: c.1947-23_1947-4del (NM_001407362.1); c.3096-23_3096-4del (NM_001281493.2, NM_001406812.1, NM_001406816.1 and 6 more transcripts); c.3477-23_3477-4del (NM_001406799.1, NM_001406806.1, NM_001406807.1); c.3924-23_3924-4del (NM_001406804.1); c.3612-23_3612-4del (NM_001281492.2); c.3705-23_3705-4del (NM_001406797.1, NM_001406818.1, NM_001406821.1 and 8 more transcripts); c.3705-28_3705-9del (NM_001406801.1, NM_001406822.1); c.3834-23_3834-4del (NM_001406826.1); and 11 more.
Identifiers: ClinVar variation 2919812 (VCV002919812.3), dbSNP rs2530887598, ClinGen allele CA2739274450.
Genomic context (GRCh38, chr2:47,806,751, plus strand): 5'-TTAAGTTTCAAAGAAACAGTAAAAGGGGAAGGGATGATGCACTATGAAAAAACAAAAAAA[CTTTTTTTTTTTTTTTTTTAA>C]TTTTAAGGGAAGTTTGCCTGGCTAGTGAAAGGTCAACTGTAGATGCTGAAGCTGTCCATA-3'

ClinVar aggregate classification (germline): Uncertain significance (1 of 4 stars; one submission).

Conditions:
Hereditary nonpolyposis colorectal neoplasms. Identifiers: MedGen C0009405, MeSH D003123.

Submission:

Labcorp Genetics (formerly Invitae), Labcorp
Classification: Uncertain significance for Hereditary nonpolyposis colorectal neoplasms. Last evaluated: 2023-03-14. Review status: criteria provided, single submitter. Criteria: Invitae Variant Classification Sherloc (09022015). Collection method: clinical testing. Allele origin: germline.
Comment: In summary, the available evidence is currently insufficient to determine the role of this variant in disease. Therefore, it has been classified as a Variant of Uncertain Significance. Algorithms developed to predict the effect of sequence changes on RNA splicing suggest that this variant may disrupt the consensus splice site. This variant has not been reported in the literature in individuals affected with MSH6-related conditions. This variant is not present in population databases (gnomAD no frequency). This sequence change falls in intron 9 of the MSH6 gene. It does not directly change the encoded amino acid sequence of the MSH6 protein.